The following is an entry in ClinVar:

NM_130384.3(ATRIP):c.2009G>A (p.Ser670Asn)

Genes: ATRIP (ATR interacting protein; plus strand), ATRIP-TREX1 (ATRIP-TREX1 readthrough; plus strand). Cytogenetic location: 3p21.31.
Variant type: single nucleotide variant.
Coding change: c.2009G>A on transcript NM_130384.3 (MANE Select); coding-DNA position 2009, G replaced by A.
Protein change: p.Ser670Asn; replaces serine 670 with asparagine.
Molecular consequence: missense variant. On other transcripts: non-coding transcript variant (1), intron variant (1).
Genome position (GRCh38, 1-based): chr3:48,464,616, G>A. VCF-style: chr3-48464616-G-A. GRCh37 (hg19) VCF-style: chr3-48506015-G-A.
Other names: c.1628G>A, p.Ser543Asn (NM_001271022.2); c.1730G>A, p.Ser577Asn (NM_001271023.2); c.1975-215G>A (NM_032166.4); c.2009G>A (NM_130384.1); short protein forms S543N, S577N, S670N.
Identifiers: ClinVar variation 2885064 (VCV002885064.3), dbSNP rs375036455, ClinGen allele CA2376354.
Genomic context (GRCh38, chr3:48,464,616, plus strand): 5'-ATGGAACCAATCTGTTCTTGTTCTAGGTGGTGTGGCTCCTGGCTAAGCTTGGTGTGCAGA[G>A]CCCCTTGCCCCCAGTCACTGGCTCCAACTGCCAGTGTAATGTGGAGGTGAGTGGGTAGGG-3'
Protein context (NP_569055.1, residues 660-680): VWLLAKLGVQ[Ser670Asn]PLPPVTGSNC

ClinVar aggregate classification (germline): Uncertain significance. Review status: criteria provided, multiple submitters, no conflicts (2 of 4 stars). 2 submissions from 2 submitters: Uncertain significance (2). Last evaluated 2025-01-09.

Allele frequency attached by ClinVar (database versions not stated): gnomAD 0.00001; TOPMed 0.00002; ExAC 0.00004; ESP Exome Variant Server 0.00008.
gnomAD v4.1: 37 of 1,614,034 alleles (0.0023%); highest among the groups gnomAD compares: Non-Finnish European, 0.0029%; no homozygotes.

Submissions (2):

Ambry Genetics
Classification: Uncertain significance. Last evaluated: 2025-01-09. Review status: criteria provided, single submitter. Criteria: Ambry Variant Classification Scheme 2023. Collection method: clinical testing. Allele origin: germline.
Comment: The p.S670N variant (also known as c.2009G>A), located in coding exon 11 of the ATRIP gene, results from a G to A substitution at nucleotide position 2009. The serine at codon 670 is replaced by asparagine, an amino acid with highly similar properties. This amino acid position is conserved. In addition, this alteration is predicted to be tolerated by in silico analysis. Based on the available evidence, the clinical significance of this variant remains unclear.

Labcorp Genetics (formerly Invitae), Labcorp
Classification: Uncertain significance. Last evaluated: 2024-01-15. Review status: criteria provided, single submitter. Criteria: Invitae Variant Classification Sherloc (09022015). Collection method: clinical testing. Allele origin: germline.
Comment: This sequence change replaces serine, which is neutral and polar, with asparagine, which is neutral and polar, at codon 670 of the ATRIP protein (p.Ser670Asn). This variant is present in population databases (rs375036455, gnomAD 0.004%). This variant has not been reported in the literature in individuals affected with ATRIP-related conditions. Algorithms developed to predict the effect of missense changes on protein structure and function output the following: SIFT: "Not Available"; PolyPhen-2: "Benign"; Align-GVGD: "Not Available". The asparagine amino acid residue is found in multiple mammalian species, which suggests that this missense change does not adversely affect protein function. In summary, the available evidence is currently insufficient to determine the role of this variant in disease. Therefore, it has been classified as a Variant of Uncertain Significance.